The following is an entry in ClinVar:

NM_003742.4(ABCB11):c.435T>C (p.Tyr145=)

Gene: ABCB11 (ATP binding cassette subfamily B member 11; minus strand). Cytogenetic location: 2q31.1.
Variant type: single nucleotide variant.
Coding change: c.435T>C on transcript NM_003742.4 (MANE Select); coding-DNA position 435, T replaced by C.
Protein change: p.Tyr145=; no amino-acid change (tyrosine 145 retained).
Molecular consequence: synonymous variant.
Genome position (GRCh38, 1-based): chr2:168,996,677, A>G on the plus strand (T>C on the coding strand, the complement: ABCB11 is on the minus strand). VCF-style: chr2-168996677-A-G. GRCh37 (hg19) VCF-style: chr2-169853187-A-G.
Other names: c.435T>C (NM_003742.2).
Identifiers: ClinVar variation 1106652 (VCV001106652.9), dbSNP rs766402285, ClinGen allele CA1951890.

ClinVar aggregate classification (germline): Likely benign. Review status: criteria provided, single submitter (1 of 4 stars). 2 submissions from 2 submitters: Likely benign (1). 1 of the submissions does not count toward it. Last evaluated 2026-01-22.

Conditions:
ABCB11-related disorder. Also called: ABCB11-related condition.

Allele frequency attached by ClinVar (database versions not stated): gnomAD 0.00001; gnomAD exomes 0.00001 and 0.00004; TOPMed 0.00001; ExAC 0.00008.
gnomAD v4.1: 22 of 1,575,810 alleles (0.0014%); highest among the groups gnomAD compares: South Asian, 0.02%; no homozygotes.

Submissions (2):

Labcorp Genetics (formerly Invitae), Labcorp
Classification: Likely benign. Last evaluated: 2026-01-22. Review status: criteria provided, single submitter. Criteria: Invitae Variant Classification Sherloc (09022015). Collection method: clinical testing. Allele origin: germline.

PreventionGenetics, part of Exact Sciences
Classification: Likely benign for ABCB11-related condition. Last evaluated: 2019-04-09. Review status: no assertion criteria provided. Collection method: clinical testing. Allele origin: germline. Not counted in ClinVar's aggregate classification.
Comment: This variant is classified as likely benign based on ACMG/AMP sequence variant interpretation guidelines (Richards et al. 2015 PMID: 25741868, with internal and published modifications).